The following is an entry in ClinVar:

ClinVar aggregate classification (germline): Benign. Review status: criteria provided, multiple submitters, no conflicts (2 of 4 stars). 7 submissions from 7 submitters: Benign (6). 1 of the submissions does not count toward it. Last evaluated 2026-02-03.

Conditions:
Cardiovascular phenotype. Identifiers: MedGen CN230736.
Alstrom syndrome (ALMS). Identifiers: Orphanet 64, MedGen C0268425, MONDO:0008763, OMIM 203800.

Allele frequency attached by ClinVar (database versions not stated): gnomAD exomes 0.00136 and 0.00376; ExAC 0.00457; 1000 Genomes Project 0.01538; gnomAD 0.01560 and 0.01669; 1000 Genomes Project 30x 0.01655; TOPMed 0.01770; ESP Exome Variant Server 0.01800.
gnomAD v4.1: 4,424 of 1,613,504 alleles (0.27%); highest among the groups gnomAD compares: African/African-American, 5.1%; 113 homozygotes.

Submissions (7):

Labcorp Genetics (formerly Invitae), Labcorp
Classification: Benign for Alstrom syndrome. Last evaluated: 2026-02-03. Review status: criteria provided, single submitter. Criteria: Invitae Variant Classification Sherloc (09022015). Collection method: clinical testing. Allele origin: germline.

ARUP Laboratories, Molecular Genetics and Genomics, ARUP Laboratories
Classification: Benign for Alstrom syndrome. Last evaluated: 2024-05-14. Review status: criteria provided, single submitter. Criteria: ARUP Molecular Germline Variant Investigation Process 2024. Collection method: clinical testing. Allele origin: germline.

Ambry Genetics
Classification: Benign for Cardiovascular phenotype. Last evaluated: 2018-12-24. Review status: criteria provided, single submitter. Criteria: Ambry Variant Classification Scheme 2023. Collection method: clinical testing. Allele origin: germline.

GeneDx
Classification: Benign. Last evaluated: 2016-10-12. Review status: criteria provided, single submitter. Criteria: GeneDx Variant Classification (06012015). Collection method: clinical testing. Allele origin: germline. Affected: yes.
Comment: This variant is considered likely benign or benign based on one or more of the following criteria: it is a conservative change, it occurs at a poorly conserved position in the protein, it is predicted to be benign by multiple in silico algorithms, and/or has population frequency not consistent with disease.

Laboratory for Molecular Medicine, Mass General Brigham Personalized Medicine
Classification: Benign. Last evaluated: 2016-03-21. Review status: criteria provided, single submitter. Criteria: LMM Criteria. Collection method: clinical testing. Allele origin: germline. Observed: 3 variant alleles.
Comment: p.Leu772Leu in exon 8 of ALMS1: This variant is not expected to have clinical si gnificance because it does not alter an amino acid residue, is not located withi n the splice consensus sequence, and has been identified in 5.22% (509/9746) of African chromosomes by the Exome Aggregation Consortium (ExAC; dbSNP rs28730851).

Breakthrough Genomics
Classification: Benign. Review status: criteria provided, single submitter. Criteria: ACMG Guidelines, 2015. Collection method: not provided. Allele origin: germline. Inheritance: Autosomal recessive inheritance. Affected: yes.

Natera, Inc.
Classification: Benign for Alstrom syndrome. Last evaluated: 2020-09-16. Review status: no assertion criteria provided. Collection method: clinical testing. Allele origin: germline. Not counted in ClinVar's aggregate classification.

NM_001378454.1(ALMS1):c.2319G>A (p.Leu773=)

Gene: ALMS1 (ALMS1 centrosome and basal body associated protein; plus strand). Cytogenetic location: 2p13.1.
Variant type: single nucleotide variant.
Coding change: c.2319G>A on transcript NM_001378454.1 (MANE Select); coding-DNA position 2319, G replaced by A.
Protein change: p.Leu773=; no amino-acid change (leucine 773 retained).
Molecular consequence: synonymous variant.
Genome position (GRCh38, 1-based): chr2:73,448,846, G>A. VCF-style: chr2-73448846-G-A. GRCh37 (hg19) VCF-style: chr2-73675973-G-A.
Other names: c.2322G>A, p.Leu774= (NM_015120.4).
Identifiers: ClinVar variation 220882 (VCV000220882.20), dbSNP rs28730851, ClinGen allele CA349191.